The following is an entry in ClinVar:

NM_012330.4(KAT6B):c.1540A>C (p.Thr514Pro)

Gene: KAT6B (lysine acetyltransferase 6B; plus strand). Cytogenetic location: 10q22.2.
Variant type: single nucleotide variant.
Coding change: c.1540A>C on transcript NM_012330.4 (MANE Select); coding-DNA position 1540, A replaced by C.
Protein change: p.Thr514Pro; replaces threonine 514 with proline.
Molecular consequence: missense variant. On other transcripts: intron variant (13).
Genome position (GRCh38, 1-based): chr10:74,975,877, A>C. VCF-style: chr10-74975877-A-C. GRCh37 (hg19) VCF-style: chr10-76735635-A-C.
Other names: c.1540A>C, p.Thr514Pro (NM_001370136.1, NM_001370137.1); c.1117+423A>C (NM_001370139.1, NM_001370140.1, NM_001370141.1 and 3 more transcripts); c.1444+96A>C (NM_001370138.1, NM_001256468.2); c.846+6102A>C (NM_001370133.1); c.193-3347A>C (NM_001370134.1); c.929-1439A>C (NM_001370143.1, NM_001370144.1); c.193-13142A>C (NM_001370135.1); short protein forms T514P.
Identifiers: ClinVar variation 5016723 (VCV005016723.1).

ClinVar aggregate classification (germline): Uncertain significance (1 of 4 stars; one submission).

gnomAD v4.1: 6 of 1,613,912 alleles (0.00037%); highest among the groups gnomAD compares: Non-Finnish European, 0.00051%; no homozygotes.

Submission:

GeneDx
Classification: Uncertain significance. Last evaluated: 2026-04-06. Review status: criteria provided, single submitter. Criteria: GeneDx Variant Classification Process June 2021. Collection method: clinical testing. Allele origin: germline.
Comment: Not observed at significant frequency in large population cohorts (gnomAD); In silico analysis suggests that this missense variant does not alter protein structure/function; Has not been previously published as pathogenic or benign to our knowledge